The following is an entry in ClinVar:

ClinVar aggregate classification (germline): Likely pathogenic. Review status: criteria provided, multiple submitters, no conflicts (2 of 4 stars). 2 submissions from 2 submitters: Likely pathogenic (2). Last evaluated 2025-09-24.

Conditions:
Congenital myotonia, autosomal recessive form. Also called: BECKER DISEASE; myotonia congenita, autosomal recessive; Becker Generalized Myotonia. Identifiers: Orphanet 614, MedGen C0751360, MONDO:0009715, OMIM 255700.
Congenital myotonia, autosomal dominant form (THD). Also called: THOMSEN DISEASE; Myotonia congenita autosomal dominant. Identifiers: Orphanet 614, MedGen C2936781, MONDO:0008055, OMIM 160800.

gnomAD v4.1: 1 of 1,610,478 alleles (0.000062%); no homozygotes.

Submissions (2):

3billion
Classification: Likely pathogenic for Congenital myotonia, autosomal recessive form. Last evaluated: 2025-09-24. Review status: criteria provided, single submitter. Criteria: ACMG Guidelines, 2015. Collection method: clinical testing. Allele origin: germline. Affected: yes.
Comment: The variant is observed in the gnomAD v4.1.0 dataset (total allele frequency: <0.001%). Predicted Consequence/Location: Missense variant In silico tool predictions suggest damaging effect of the variant on gene or gene product [REVEL: 0.98 (>= 0.644, sensitivity 0.68 and specificity 0.92); 3Cnet: 0.87 (>= 0.75, sensitivity 0.96 and precision 0.92)]. The same nucleotide change resulting in the same amino acid change has been previously reported to be associated with CLCN1-related disorder (ClinVar ID: VCV003068218 /PMID: 39504961, 3billion dataset). Therefore, this variant is classified as Likely pathogenic according to the recommendation of ACMG/AMP guideline.

Genomic Medicine Center of Excellence, King Faisal Specialist Hospital and Research Centre
Classification: Likely pathogenic for Congenital myotonia, autosomal dominant form. Last evaluated: 2024-04-04. Review status: criteria provided, single submitter. Criteria: ACMG Guidelines, 2015. Collection method: clinical testing. Allele origin: germline.

Literature cited by the submitters: PubMed 39504961 (cited by 3billion).

NM_000083.3(CLCN1):c.1472G>A (p.Gly491Glu)

Gene: CLCN1 (chloride voltage-gated channel 1; plus strand). Cytogenetic location: 7q34.
Variant type: single nucleotide variant.
Coding change: c.1472G>A on transcript NM_000083.3 (MANE Select); coding-DNA position 1472, G replaced by A.
Protein change: p.Gly491Glu; replaces glycine 491 with glutamic acid.
Molecular consequence: missense variant. On other transcripts: non-coding transcript variant (1).
Genome position (GRCh38, 1-based): chr7:143,339,511, G>A. VCF-style: chr7-143339511-G-A. GRCh37 (hg19) VCF-style: chr7-143036604-G-A.
Other names: short protein forms G491E.
Identifiers: ClinVar variation 3068218 (VCV003068218.2), dbSNP rs2487083724, ClinGen allele CA369645518.